The following is an entry in ClinVar:

NM_000080.4(CHRNE):c.404C>G (p.Ser135Cys)

Genes: C17orf107 (chromosome 17 open reading frame 107; plus strand), CHRNE (cholinergic receptor nicotinic epsilon subunit; minus strand). Cytogenetic location: 17p13.2.
Variant type: single nucleotide variant.
Coding change: c.404C>G on transcript NM_000080.4 (MANE Select); coding-DNA position 404, C replaced by G.
Protein change: p.Ser135Cys; replaces serine 135 with cysteine.
Molecular consequence: missense variant. On other transcripts: 3 prime UTR variant (1).
Genome position (GRCh38, 1-based): chr17:4,902,028, G>C on the plus strand (C>G on the coding strand, the complement: CHRNE is on the minus strand). VCF-style: chr17-4902028-G-C. GRCh37 (hg19) VCF-style: chr17-4805323-G-C.
Other names: c.*1495G>C (NM_001145536.2); short protein forms S135C.
Identifiers: ClinVar variation 422010 (VCV000422010.17), dbSNP rs763181728, ClinGen allele CA16620464.
Genomic context (GRCh38, chr17:4,902,028, plus strand): 5'-AAGTAGGTGACCTCCACTGCGCAGACGCTGCGGTAGATGGCCGGAGGCAGCCACGTCACG[G>C]AGCCGCCCTCGTAGACGAGCACGTTGGCGTCGTAGGCCACTCCGAACTGGCCATCAATAC-3'
Protein context (NP_000071.1, residues 125-145): DANVLVYEGG[Ser135Cys]VTWLPPAIYR

ClinVar aggregate classification (germline): Uncertain significance. Review status: criteria provided, multiple submitters, no conflicts (2 of 4 stars). 6 submissions from 6 submitters: Uncertain significance (5). 1 of the submissions does not count toward it. Last evaluated 2026-05-23.

Conditions:
Inborn genetic diseases. Identifiers: MedGen C0950123, MeSH D030342.
Congenital myasthenic syndrome 4A. Also called: Myasthenic syndrome, congenital, 4a, slow-channel; CONGENITAL MYASTHENIC SYNDROME TYPE Ia1; MYASTHENIC SYNDROME, CONGENITAL, 4A, SLOW-CHANNEL, AUTOSOMAL RECESSIVE. Identifiers: Orphanet 590, MedGen C4225413, MONDO:0011600, OMIM 605809.

gnomAD v4.1: 9 of 1,614,086 alleles (0.00056%); highest among the groups gnomAD compares: Non-Finnish European, 0.00076%; no homozygotes.

Submissions (6):

Ambry Genetics
Classification: Uncertain significance for Inborn genetic diseases. Last evaluated: 2026-05-23. Review status: criteria provided, single submitter. Criteria: Ambry Variant Classification Scheme 2023. Collection method: clinical testing. Allele origin: germline.

GeneDx
Classification: Uncertain significance. Last evaluated: 2025-05-31. Review status: criteria provided, single submitter. Criteria: GeneDx Variant Classification Process June 2021. Collection method: clinical testing. Allele origin: germline. Affected: yes.
Comment: Not observed at significant frequency in large population cohorts (gnomAD); In silico analysis suggests that this missense variant does not alter protein structure/function; Has not been previously published as pathogenic or benign to our knowledge

Labcorp Genetics (formerly Invitae), Labcorp
Classification: Uncertain significance for Congenital myasthenic syndrome 4A. Last evaluated: 2024-10-13. Review status: criteria provided, single submitter. Criteria: Invitae Variant Classification Sherloc (09022015). Collection method: clinical testing. Allele origin: germline.
Comment: This sequence change replaces serine, which is neutral and polar, with cysteine, which is neutral and slightly polar, at codon 135 of the CHRNE protein (p.Ser135Cys). This variant is present in population databases (no rsID available, gnomAD 0.0009%). This variant has not been reported in the literature in individuals affected with CHRNE-related conditions. ClinVar contains an entry for this variant (Variation ID: 422010). Invitae Evidence Modeling of protein sequence and biophysical properties (such as structural, functional, and spatial information, amino acid conservation, physicochemical variation, residue mobility, and thermodynamic stability) indicates that this missense variant is not expected to disrupt CHRNE protein function with a negative predictive value of 80%. In summary, the available evidence is currently insufficient to determine the role of this variant in disease. Therefore, it has been classified as a Variant of Uncertain Significance.

Women's Health and Genetics/Laboratory Corporation of America, LabCorp
Classification: Uncertain significance. Last evaluated: 2024-02-07. Review status: criteria provided, single submitter. Criteria: LabCorp Variant Classification Summary - May 2015. Collection method: clinical testing. Allele origin: germline.
Comment: Variant summary: CHRNE c.404C>G (p.Ser135Cys) results in a non-conservative amino acid change located in the Neurotransmitter-gated ion-channel ligand-binding domain (IPR006202) of the encoded protein sequence. Three of five in-silico tools predict a benign effect of the variant on protein function. The variant allele was found at a frequency of 4e-06 in 250938 control chromosomes (gnomAD). The available data on variant occurrences in the general population are insufficient to allow any conclusion about variant significance. To our knowledge, no occurrence of c.404C>G in individuals affected with Congenital Myasthenic Syndrome and no experimental evidence demonstrating its impact on protein function have been reported. ClinVar contains an entry for this variant (Variation ID: 422010). Based on the evidence outlined above, the variant was classified as uncertain significance.

Revvity Omics, Revvity
Classification: Uncertain significance. Last evaluated: 2023-06-05. Review status: criteria provided, single submitter. Criteria: ACMG Guidelines, 2015. Collection method: clinical testing. Allele origin: germline.

Department of Pathology and Laboratory Medicine, Sinai Health System
Classification: Uncertain significance. Review status: no assertion criteria provided. Collection method: clinical testing. Allele origin: unknown. Affected: yes. Study: The Canadian Open Genetics Repository (COGR). Not counted in ClinVar's aggregate classification.
Comment: The CHRNE p.Ser135Cys variant was not identified in the literature nor was it identified in Cosmic or LOVD 3.0. The variant was identified in dbSNP (ID: rs763181728) and ClinVar (classified as uncertain significance by GeneDx). The variant was identified in control databases in 1 of 250938 chromosomes at a frequency of 0.000004 (Genome Aggregation Database Feb 27, 2017). The variant was observed in the European (non-Finnish) population in 1 of 113280 chromosomes (freq: 0.000009), but not observed in the African, Latino, Ashkenazi Jewish, East Asian, European (Finnish), Other, and South Asian populations. The p.Ser135 residue is not conserved in mammals and computational analyses (PolyPhen-2, SIFT, AlignGVGD, BLOSUM, MutationTaster) provide inconsistent predictions regarding the impact to the protein; this information is not very predictive of pathogenicity. The variant occurs outside of the splicing consensus sequence and in silico or computational prediction software programs (SpliceSiteFinder, MaxEntScan, NNSPLICE, GeneSplicer) do not predict a difference in splicing. In summary, based on the above information the clinical significance of this variant cannot be determined with certainty at this time. This variant is classified as a variant of uncertain significance.